The following is an entry in ClinVar:

ClinVar aggregate classification (germline): Pathogenic. Review status: reviewed by expert panel (3 of 4 stars). 2 submissions from 2 submitters: Pathogenic (1). 1 of the submissions does not count toward it. Last evaluated 2020-05-08.

Conditions:
Phenylketonuria (PKU). Also called: OLIGOPHRENIA PHENYLPYRUVICA; Phenylketonurias; Phenylketonuria (PKU); FOLLING DISEASE. Identifiers: Orphanet 716, MedGen C0031485, MONDO:0009861, OMIM 261600. Disease mechanism: loss of function.

gnomAD v4.1: 1 of 1,613,524 alleles (0.000062%); no homozygotes.

Submissions (2):

ClinGen PAH Variant Curation Expert Panel
Classification: Pathogenic for Phenylketonuria. Last evaluated: 2020-05-08. Review status: reviewed by expert panel. Criteria: ClinGen PAH ACMG Specifications v1. Collection method: curation. Allele origin: germline. Inheritance: Autosomal recessive inheritance.
Comment: Variant c.1161C>A (p.Tyr387Ter) in PAH was documented 2 times in European patients with classic phenylketonuria (PMID: 16601866, 23764561)(PP4-moderate). This is a nonsense variant in exon 11 out of 13 coding exons, predicted to undergo nonsense mediated mRNA decay, as it is not located in the 3'-most exon or the 3'-most 50 bp of the penultimate exon. The exon is present in biologically-relevant transcripts (PVS1). This variant was detected in trans with pathogenic variant p.P281L (PMID:16601866, 23764561) (PM3). In summary, this variant meets criteria to be classified as pathogenic for PAH. PAH-specific ACMG/AMP criteria applied:PVS1, PM3, PP4-Moderate.

Women's Health and Genetics/Laboratory Corporation of America, LabCorp
Classification: Pathogenic for Phenylketonuria. Last evaluated: 2019-05-10. Review status: criteria provided, single submitter. Criteria: LabCorp Variant Classification Summary - May 2015. Collection method: clinical testing. Allele origin: germline. Not counted in ClinVar's aggregate classification.
Comment: Variant summary: PAH c.1161C>A (p.Tyr387X) results in a premature termination codon, predicted to cause a truncation of the encoded protein or absence of the protein due to nonsense mediated decay, which are commonly known mechanisms for disease. Truncations downstream of this position have been classified as pathogenic by our laboratory. The variant was absent in 251252 control chromosomes (gnomAD). The variant, c.1161C>A, has been reported in the literature in individuals affected with Phenylalanine Hydroxylase Deficiency (Phenylketonuria) (Leuzzi_2006, Reblova_2013, Polak_2013). These data indicate that the variant may be associated with disease. One publication, Polak_2013, reports in vitro PAH activity of this variant was <10% of normal activity. No clinical diagnostic laboratories have submitted clinical-significance assessments for this variant to ClinVar after 2014. Based on the evidence outlined above, the variant was classified as pathogenic.

Literature cited by the submitters: PubMed 23764561 (cited by ClinGen PAH Variant Curation Expert Panel and Women's Health and Genetics/Laboratory Corporation of America, LabCorp); PubMed 16601866 (cited by ClinGen PAH Variant Curation Expert Panel and Women's Health and Genetics/Laboratory Corporation of America, LabCorp); PubMed 23357515 (cited by Women's Health and Genetics/Laboratory Corporation of America, LabCorp); PubMed 24882081 (cited by Women's Health and Genetics/Laboratory Corporation of America, LabCorp); PubMed 24939588 (cited by Women's Health and Genetics/Laboratory Corporation of America, LabCorp); PubMed 26655635 (cited by Women's Health and Genetics/Laboratory Corporation of America, LabCorp).

NM_000277.3(PAH):c.1161C>A (p.Tyr387Ter)

Gene: PAH (phenylalanine hydroxylase; minus strand). Cytogenetic location: 12q23.2.
Variant type: single nucleotide variant.
Coding change: c.1161C>A on transcript NM_000277.3 (MANE Select); coding-DNA position 1161, C replaced by A.
Protein change: p.Tyr387Ter; replaces tyrosine 387 with a stop codon.
Molecular consequence: nonsense.
Genome position (GRCh38, 1-based): chr12:102,843,684, G>T on the plus strand (C>A on the coding strand, the complement: PAH is on the minus strand). VCF-style: chr12-102843684-G-T. GRCh37 (hg19) VCF-style: chr12-103237462-G-T.
Other names: c.1161C>A, p.Tyr387Ter (NM_001354304.2); short protein forms Y387*.
Identifiers: ClinVar variation 929125 (VCV000929125.2), dbSNP rs149595475, ClinGen allele CA16020953.